The following is an entry in ClinVar:

ClinVar aggregate classification (germline): Uncertain significance (1 of 4 stars; one submission).

Allele frequency attached by ClinVar (database versions not stated): gnomAD exomes below 0.00001.
gnomAD v4.1: 1 of 1,614,002 alleles (0.000062%); highest among the groups gnomAD compares: Non-Finnish European, 0.000085%; no homozygotes.

Submission:

GeneDx
Classification: Uncertain significance. Last evaluated: 2021-04-06. Review status: criteria provided, single submitter. Criteria: GeneDx Variant Classification Process June 2021. Collection method: clinical testing. Allele origin: germline. Affected: yes.
Comment: Not observed in large population cohorts (Lek et al., 2016); In silico analysis supports that this missense variant does not alter protein structure/function; Has not been previously published as pathogenic or benign to our knowledge

NM_199355.4(ADAMTS18):c.862A>C (p.Lys288Gln)

Gene: ADAMTS18 (ADAM metallopeptidase with thrombospondin type 1 motif 18; minus strand). Cytogenetic location: 16q23.1.
Variant type: single nucleotide variant.
Coding change: c.862A>C on transcript NM_199355.4 (MANE Select); coding-DNA position 862, A replaced by C.
Protein change: p.Lys288Gln; replaces lysine 288 with glutamine.
Molecular consequence: missense variant.
Genome position (GRCh38, 1-based): chr16:77,364,298, T>G on the plus strand (A>C on the coding strand, the complement: ADAMTS18 is on the minus strand). VCF-style: chr16-77364298-T-G. GRCh37 (hg19) VCF-style: chr16-77398195-T-G.
Other names: c.346A>C, p.Lys116Gln (NM_001326358.2); short protein forms K116Q, K288Q.
Identifiers: ClinVar variation 1314302 (VCV001314302.2), dbSNP rs768764561, ClinGen allele CA396836827.
Genomic context (GRCh38, chr16:77,364,298, plus strand): 5'-TTTCCACCATTTTCTTGTCTGCCACCACGAGGGTTTCCACATTGAGGCCCTTTTGTGATT[T>G]TCCAGCTGATCTTCTGGGTCGCCCAGAGCTCCCATATTCATCAAACCTTAGATAGGTGTC-3'
Protein context (NP_955387.1, residues 278-298): SSGRPRRSAG[Lys288Gln]SQKGLNVETL